The following is an entry in ClinVar:

NM_004380.3(CREBBP):c.6882G>A (p.Arg2294=)

Gene: CREBBP (CREB binding lysine acetyltransferase; minus strand). Cytogenetic location: 16p13.3.
Variant type: single nucleotide variant.
Coding change: c.6882G>A on transcript NM_004380.3 (MANE Select); coding-DNA position 6882, G replaced by A.
Protein change: p.Arg2294=; no amino-acid change (arginine 2294 retained).
Molecular consequence: synonymous variant.
Genome position (GRCh38, 1-based): chr16:3,728,165, C>T on the plus strand (G>A on the coding strand, the complement: CREBBP is on the minus strand). VCF-style: chr16-3728165-C-T. GRCh37 (hg19) VCF-style: chr16-3778166-C-T.
Other names: c.6768G>A, p.Arg2256= (NM_001079846.1).
Identifiers: ClinVar variation 4983823 (VCV004983823.1).

ClinVar aggregate classification (germline): Likely benign (1 of 4 stars; one submission).

Conditions:
CREBBP-related disorder. Also called: CREBBP-related condition; CREBBP-related disorders.

Submission:

PreventionGenetics, part of Exact Sciences
Classification: Likely benign for CREBBP-related condition. Last evaluated: 2025-03-21. Review status: criteria provided, single submitter. Criteria: ACMG Guidelines, 2015. Collection method: clinical testing. Allele origin: germline.
Comment: This variant is classified as likely benign based on ACMG/AMP sequence variant interpretation guidelines (Richards et al. 2015 PMID: 25741868, with internal and published modifications).